The following is an entry in ClinVar:

ClinVar aggregate classification (germline): Likely benign (0 of 4 stars; one submission).

Conditions:
CELF4-related disorder. Also called: CELF4-related condition.

Allele frequency attached by ClinVar (database versions not stated): ExAC 0.00002; gnomAD exomes 0.00002; TOPMed 0.00003; gnomAD 0.00004.
gnomAD v4.1: 30 of 1,613,852 alleles (0.0019%); highest among the groups gnomAD compares: East Asian, 0.0067%; no homozygotes.

Submission:

PreventionGenetics, part of Exact Sciences
Classification: Likely benign for CELF4-related condition. Last evaluated: 2019-08-15. Review status: no assertion criteria provided. Collection method: clinical testing. Allele origin: germline.
Comment: This variant is classified as likely benign based on ACMG/AMP sequence variant interpretation guidelines (Richards et al. 2015 PMID: 25741868, with internal and published modifications).

NM_020180.4(CELF4):c.1074C>T (p.Phe358=)

Gene: CELF4 (CUGBP Elav-like family member 4; minus strand). Cytogenetic location: 18q12.2.
Variant type: single nucleotide variant.
Coding change: c.1074C>T on transcript NM_020180.4 (MANE Select); coding-DNA position 1074, C replaced by T.
Protein change: p.Phe358=; no amino-acid change (phenylalanine 358 retained).
Molecular consequence: synonymous variant. On other transcripts: non-coding transcript variant (11).
Genome position (GRCh38, 1-based): chr18:37,270,793, G>A on the plus strand (C>T on the coding strand, the complement: CELF4 is on the minus strand). VCF-style: chr18-37270793-G-A. GRCh37 (hg19) VCF-style: chr18-34850756-G-A.
Other names: c.1071C>T, p.Phe357= (NM_001025087.2, NM_001330603.2, NM_001353696.2 and 12 more transcripts); c.1068C>T, p.Phe356= (NM_001025088.2, NM_001353702.2, NM_001353712.2 and 2 more transcripts); c.1044C>T, p.Phe348= (NM_001025089.2, NM_001353700.2, NM_001353703.2 and 6 more transcripts); c.1041C>T, p.Phe347= (NM_001353695.2, NM_001353697.2, NM_001353699.2 and 14 more transcripts); c.1038C>T, p.Phe346= (NM_001353705.2, NM_001353706.2, NM_001353711.2 and 5 more transcripts); c.1074C>T, p.Phe358= (NM_001353708.2, NM_001353724.2, NM_001353731.2 and 6 more transcripts); c.702C>T, p.Phe234= (NM_001353756.2, NM_001353761.2); c.675C>T, p.Phe225= (NM_001353757.2, NM_001353760.2); and 1 more.
Identifiers: ClinVar variation 3053005 (VCV003053005.2), dbSNP rs765790379, ClinGen allele CA8943494.
Genomic context (GRCh38, chr18:37,270,793, plus strand): 5'-TGCATACGGAAATAAGTGCTGACAGATGTGCTTACCTGGGTAGGGGTGGATGCCATTGGC[G>A]AACACAGCTTCCGCAGCAGGTTGCCCATTGGCCTGTGGGGGGAGGCCGGTGAAGCCATTC-3'
Protein context (NP_064565.1, residues 348-368): ANGQPAAEAV[Phe358=]ANGIHPYPAQ